The following is an entry in ClinVar:

ClinVar aggregate classification (germline): Uncertain significance (1 of 4 stars; one submission).

Conditions:
Harel-Yoon syndrome (HAYOS). Also called: Optic atrophy-peripheral neuropathy-developmental delay syndrome. Identifiers: Orphanet 496790, MedGen C4310677, MONDO:0014958, OMIM 617183.

gnomAD v4.1: 1 of 1,610,328 alleles (0.000062%); highest among the groups gnomAD compares: Admixed American, 0.0017%; no homozygotes.

Submission:

Baylor Genetics
Classification: Uncertain significance for Harel-Yoon syndrome. Last evaluated: 2018-04-11. Review status: criteria provided, single submitter. Criteria: ACMG Guidelines, 2015. Collection method: clinical testing. Allele origin: paternal. Affected: yes.
Comment: This variant was determined to be of uncertain significance according to ACMG Guidelines, 2015 [PMID:25741868].

NM_001170535.3(ATAD3A):c.521T>G (p.Val174Gly)

Gene: ATAD3A (ATPase family AAA domain containing 3A; plus strand). Cytogenetic location: 1p36.33.
Variant type: single nucleotide variant.
Coding change: c.521T>G on transcript NM_001170535.3 (MANE Select); coding-DNA position 521, T replaced by G.
Protein change: p.Val174Gly; replaces valine 174 with glycine.
Molecular consequence: missense variant.
Genome position (GRCh38, 1-based): chr1:1,520,147, T>G. VCF-style: chr1-1520147-T-G. GRCh37 (hg19) VCF-style: chr1-1455527-T-G.
Other names: c.665T>G, p.Val222Gly (NM_018188.5); c.284T>G, p.Val95Gly (NM_001170536.3); short protein forms V95G, V174G, V222G.
Identifiers: ClinVar variation 1033348 (VCV001033348.1), dbSNP rs750196319, ClinGen allele CA337853687.
Genomic context (GRCh38, chr1:1,520,147, plus strand): 5'-GAGGTGGACGCGCTGCACTGCATGGTGCTGAGCTGCCCTGCCTCTCTGGGGCAGCCACCG[T>G]GGAGCGGGAGATGGAGCTGCGGCACAAGAATGAGATGCTGCGAGTGGAGGCCGAGGCCCG-3'
Protein context (NP_001164006.1, residues 164-184): QKQEAMRRAT[Val174Gly]EREMELRHKN